The following is an entry in ClinVar:

NM_177438.3(DICER1):c.1635del (p.Tyr546fs)

Gene: DICER1 (dicer 1, ribonuclease III; minus strand). Cytogenetic location: 14q32.13.
Variant type: Deletion.
Coding change: c.1635del on transcript NM_177438.3 (MANE Select); coding-DNA position 1635, one base deleted (C; older notation c.1635delC).
Protein change: p.Tyr546fs; shifts the reading frame from tyrosine 546.
Molecular consequence: frameshift variant.
Genome position (GRCh38, 1-based): chr14:95,116,570, G deleted on the plus strand (C on the coding strand, the reverse complement: DICER1 is on the minus strand); the first of 2 consecutive G bases (chr14:95,116,570-95,116,571); deleting either gives the same sequence. VCF-style (leftmost placement, unchanged base first): chr14-95116569-AG-A. GRCh37 (hg19) VCF-style: chr14-95582906-AG-A.
Other names: c.1635del, p.Tyr546fs (NM_001195573.1, NM_001271282.3, NM_001291628.2 and 1 more transcripts); short protein forms Y546fs.
Identifiers: ClinVar variation 1073421 (VCV001073421.8), dbSNP rs2140124458, ClinGen allele CA2499222818.
Genomic context (GRCh38, chr14:95,116,569, plus strand): 5'-TATCCGCTAACATTATATAATTAGAGATGGGTGCCCTTGCTCTTCCTTTAGATTGAACAT[AG>A]GATCGATATTCTGTGGGCAAATCAAAACGAACCACCAAGTTGCATTTTGGTATATCAACA-3'

ClinVar aggregate classification (germline): Pathogenic (1 of 4 stars; one submission).

Conditions:
DICER1-related tumor predisposition. Also called: DICER1 syndrome; DICER1-related pleuropulmonary blastoma cancer predisposition syndrome. Identifiers: Orphanet 284343, MedGen C3839822, MONDO:0100216.

Submission:

Labcorp Genetics (formerly Invitae), Labcorp
Classification: Pathogenic for DICER1-related tumor predisposition. Last evaluated: 2020-12-13. Review status: criteria provided, single submitter. Criteria: Invitae Variant Classification Sherloc (09022015). Collection method: clinical testing. Allele origin: germline.
Comment: This variant is not present in population databases (ExAC no frequency). For these reasons, this variant has been classified as Pathogenic. This variant has not been reported in the literature in individuals with DICER1-related conditions. This sequence change creates a premature translational stop signal (p.Tyr546Metfs*16) in the DICER1 gene. It is expected to result in an absent or disrupted protein product. Loss-of-function variants in DICER1 are known to be pathogenic (PMID: 19556464, 21266384).

Literature cited by the submitters: PubMed 19556464; PubMed 21266384.